The following is an entry in ClinVar:

ClinVar aggregate classification (germline): Uncertain significance (1 of 4 stars; one submission).

Conditions:
Inborn genetic diseases. Identifiers: MedGen C0950123, MeSH D030342.

Submission:

Ambry Genetics
Classification: Uncertain significance for Inborn genetic diseases. Last evaluated: 2025-05-31. Review status: criteria provided, single submitter. Criteria: Ambry Variant Classification Scheme 2023. Collection method: clinical testing. Allele origin: germline.
Comment: The p.T1053N variant (also known as c.3158C>A), located in coding exon 1 of the SAMD9L gene, results from a C to A substitution at nucleotide position 3158. The threonine at codon 1053 is replaced by asparagine, an amino acid with similar properties. This amino acid position is conserved. In addition, this alteration is predicted to be tolerated by in silico analysis. Based on the available evidence, the clinical significance of this variant remains unclear.

NM_152703.5(SAMD9L):c.3158C>A (p.Thr1053Asn)

Gene: SAMD9L (sterile alpha motif domain containing 9 like; minus strand). Cytogenetic location: 7q21.2.
Variant type: single nucleotide variant.
Coding change: c.3158C>A on transcript NM_152703.5 (MANE Select); coding-DNA position 3158, C replaced by A.
Protein change: p.Thr1053Asn; replaces threonine 1053 with asparagine.
Molecular consequence: missense variant.
Genome position (GRCh38, 1-based): chr7:93,132,814, G>T on the plus strand (C>A on the coding strand, the complement: SAMD9L is on the minus strand). VCF-style: chr7-93132814-G-T. GRCh37 (hg19) VCF-style: chr7-92762127-G-T.
Other names: c.3158C>A, p.Thr1053Asn (NM_001303496.3, NM_001303497.3, NM_001303498.3 and 5 more transcripts); short protein forms T1053N.
Identifiers: ClinVar variation 3949982 (VCV003949982.1).